The following is an entry in ClinVar:

NM_000548.5(TSC2):c.1364G>A (p.Ser455Asn)

Gene: TSC2 (TSC complex subunit 2; plus strand). Cytogenetic location: 16p13.3.
Variant type: single nucleotide variant.
Coding change: c.1364G>A on transcript NM_000548.5 (MANE Select); coding-DNA position 1364, G replaced by A.
Protein change: p.Ser455Asn; replaces serine 455 with asparagine.
Molecular consequence: missense variant.
Genome position (GRCh38, 1-based): chr16:2,062,974, G>A. VCF-style: chr16-2062974-G-A. GRCh37 (hg19) VCF-style: chr16-2112975-G-A.
Other names: c.1364G>A, p.Ser455Asn (NM_001077183.3, NM_001114382.3, NM_001363528.2 and 3 more transcripts); c.1253G>A, p.Ser418Asn (NM_001318827.2); c.1217G>A, p.Ser406Asn (NM_001318829.2); c.764G>A, p.Ser255Asn (NM_001318831.2); c.1397G>A, p.Ser466Asn (NM_001318832.2); short protein forms S455N, S255N, S418N, S406N, S466N.
Identifiers: ClinVar variation 570246 (VCV000570246.15), dbSNP rs1567432782, ClinGen allele CA394323563.

ClinVar aggregate classification (germline): Conflicting classifications of pathogenicity. Review status: criteria provided, conflicting classifications (1 of 4 stars). 3 submissions from 3 submitters: Uncertain significance (2); Likely benign (1). Last evaluated 2025-07-21.

Conditions:
Hereditary cancer-predisposing syndrome. Also called: Hereditary neoplastic syndrome; Neoplastic Syndromes, Hereditary; Hereditary Cancer Syndrome; Tumor predisposition. Identifiers: Orphanet 140162, MedGen C0027672, MeSH D009386, MONDO:0015356.
Tuberous sclerosis 2 (TSC2). Identifiers: Orphanet 805, MedGen C1860707, MONDO:0013199, OMIM 613254.

Allele frequency attached by ClinVar (database versions not stated): gnomAD exomes below 0.00001.
gnomAD v4.1: 1 of 1,550,474 alleles (0.000064%); highest among the groups gnomAD compares: Non-Finnish European, 0.000087%; no homozygotes.

Submissions (3):

Ambry Genetics
Classification: Likely benign for Hereditary cancer-predisposing syndrome. Last evaluated: 2025-07-21. Review status: criteria provided, single submitter. Criteria: Ambry Variant Classification Scheme 2023. Collection method: clinical testing. Allele origin: germline.

Labcorp Genetics (formerly Invitae), Labcorp
Classification: Uncertain significance for Tuberous sclerosis 2. Last evaluated: 2024-11-12. Review status: criteria provided, single submitter. Criteria: Invitae Variant Classification Sherloc (09022015). Collection method: clinical testing. Allele origin: germline.
Comment: This sequence change replaces serine, which is neutral and polar, with asparagine, which is neutral and polar, at codon 455 of the TSC2 protein (p.Ser455Asn). This variant is not present in population databases (gnomAD no frequency). This variant has not been reported in the literature in individuals affected with TSC2-related conditions. ClinVar contains an entry for this variant (Variation ID: 570246). An algorithm developed to predict the effect of missense changes on protein structure and function outputs the following: PolyPhen-2: "Benign". The asparagine amino acid residue is found in multiple mammalian species, which suggests that this missense change does not adversely affect protein function. In summary, the available evidence is currently insufficient to determine the role of this variant in disease. Therefore, it has been classified as a Variant of Uncertain Significance.

GeneDx
Classification: Uncertain significance. Last evaluated: 2024-10-20. Review status: criteria provided, single submitter. Criteria: GeneDx Variant Classification Process June 2021. Collection method: clinical testing. Allele origin: germline. Affected: yes.
Comment: Not observed at significant frequency in large population cohorts (gnomAD); In silico analysis indicates that this missense variant does not alter protein structure/function; Has not been previously published as pathogenic or benign to our knowledge